The following is an entry in ClinVar:

NM_018993.4(RIN2):c.1474C>T (p.Leu492Phe)

Gene: RIN2 (Ras and Rab interactor 2; plus strand). Cytogenetic location: 20p11.23.
Variant type: single nucleotide variant.
Coding change: c.1474C>T on transcript NM_018993.4 (MANE Select); coding-DNA position 1474, C replaced by T.
Protein change: p.Leu492Phe; replaces leucine 492 with phenylalanine.
Molecular consequence: missense variant.
Genome position (GRCh38, 1-based): chr20:19,975,499, C>T. VCF-style: chr20-19975499-C-T. GRCh37 (hg19) VCF-style: chr20-19956143-C-T.
Other names: c.1621C>T, p.Leu541Phe (NM_001242581.2); c.856C>T, p.Leu286Phe (NM_001378238.1); short protein forms L286F, L492F, L541F.
Identifiers: ClinVar variation 3252172 (VCV003252172.3), dbSNP rs746942200.

ClinVar aggregate classification (germline): Uncertain significance. Review status: criteria provided, multiple submitters, no conflicts (2 of 4 stars). 2 submissions from 2 submitters: Uncertain significance (2). Last evaluated 2025-10-29.

Allele frequency attached by ClinVar (database versions not stated): TOPMed 0.00002; gnomAD exomes 0.00002; ExAC 0.00006.
gnomAD v4.1: 12 of 1,614,052 alleles (0.00074%); highest among the groups gnomAD compares: Admixed American, 0.013%; no homozygotes.

Submissions (2):

Labcorp Genetics (formerly Invitae), Labcorp
Classification: Uncertain significance. Last evaluated: 2025-10-29. Review status: criteria provided, single submitter. Criteria: Invitae Variant Classification Sherloc (09022015). Collection method: clinical testing. Allele origin: germline.
Comment: This sequence change replaces leucine, which is neutral and non-polar, with phenylalanine, which is neutral and non-polar, at codon 492 of the RIN2 protein (p.Leu492Phe). This variant is present in population databases (rs746942200, gnomAD 0.02%). This variant has not been reported in the literature in individuals affected with RIN2-related conditions. ClinVar contains an entry for this variant (Variation ID: 3252172). Experimental studies and prediction algorithms are not available or were not evaluated, and the functional significance of this variant is currently unknown. In summary, the available evidence is currently insufficient to determine the role of this variant in disease. Therefore, it has been classified as a Variant of Uncertain Significance.

GeneDx
Classification: Uncertain significance. Last evaluated: 2023-06-09. Review status: criteria provided, single submitter. Criteria: GeneDx Variant Classification Process June 2021. Collection method: clinical testing. Allele origin: germline. Affected: yes.
Comment: In silico analysis supports that this missense variant does not alter protein structure/function; Has not been previously published as pathogenic or benign to our knowledge